The following is an entry in ClinVar:

NM_015335.5(MED13L):c.1033G>A (p.Ala345Thr)

Gene: MED13L (mediator complex subunit 13L; minus strand). Cytogenetic location: 12q24.21.
Variant type: single nucleotide variant.
Coding change: c.1033G>A on transcript NM_015335.5 (MANE Select); coding-DNA position 1033, G replaced by A.
Protein change: p.Ala345Thr; replaces alanine 345 with threonine.
Molecular consequence: missense variant.
Genome position (GRCh38, 1-based): chr12:116,015,251, C>T on the plus strand (G>A on the coding strand, the complement: MED13L is on the minus strand). VCF-style: chr12-116015251-C-T. GRCh37 (hg19) VCF-style: chr12-116453056-C-T.
Other names: short protein forms A345T.
Identifiers: ClinVar variation 3356053 (VCV003356053.1).

ClinVar aggregate classification (germline): Uncertain significance (0 of 4 stars; one submission).

Conditions:
MED13L-related disorder. Also called: MED13L-related condition.

gnomAD v4.1: 18 of 1,613,706 alleles (0.0011%); highest among the groups gnomAD compares: Non-Finnish European, 0.0015%; no homozygotes.

Submission:

PreventionGenetics, part of Exact Sciences
Classification: Uncertain significance for MED13L-related condition. Last evaluated: 2024-06-11. Review status: no assertion criteria provided. Collection method: clinical testing. Allele origin: germline.
Comment: The MED13L c.1033G>A variant is predicted to result in the amino acid substitution p.Ala345Thr. To our knowledge, this variant has not been reported in the literature. This variant is reported in 0.0065% of alleles in individuals of European (Non-Finnish) descent in gnomAD v2 (as displayed in the table above). However, in gnomAD v4 (available only on GRCh38), this variant is reported in 0.001526% of alleles in a subpopulation, including 18 heterozygotes. This population data is not consistent with this variant being a primary cause of disease. Although we suspect this variant may be benign, at this time, the clinical significance is uncertain due to the absence of conclusive functional and genetic evidence.